The following is an entry in ClinVar:

ClinVar aggregate classification (germline): Uncertain significance (1 of 4 stars; one submission).

Conditions:
Charcot-Marie-Tooth disease type 2. Also called: Charcot-Marie-Tooth type 2. Identifiers: Orphanet 64746, MedGen C0270914, MONDO:0018993.

gnomAD v4.1: 1 of 1,614,126 alleles (0.000062%); highest among the groups gnomAD compares: East Asian, 0.0022%; no homozygotes.

Submission:

Labcorp Genetics (formerly Invitae), Labcorp
Classification: Uncertain significance for Charcot-Marie-Tooth disease type 2. Last evaluated: 2024-09-04. Review status: criteria provided, single submitter. Criteria: Invitae Variant Classification Sherloc (09022015). Collection method: clinical testing. Allele origin: germline.
Comment: This sequence change replaces glutamine, which is neutral and polar, with histidine, which is basic and polar, at codon 48 of the AARS protein (p.Gln48His). This variant also falls at the last nucleotide of exon 2, which is part of the consensus splice site for this exon. This variant is not present in population databases (gnomAD no frequency). This variant has not been reported in the literature in individuals affected with AARS-related conditions. An algorithm developed to predict the effect of missense changes on protein structure and function (PolyPhen-2) suggests that this variant is likely to be disruptive. Variants that disrupt the consensus splice site are a relatively common cause of aberrant splicing (PMID: 17576681, 9536098). In summary, the available evidence is currently insufficient to determine the role of this variant in disease. Therefore, it has been classified as a Variant of Uncertain Significance.

Literature cited by the submitters: PubMed 17576681; PubMed 9536098.

NM_001605.3(AARS1):c.144G>C (p.Gln48His)

Gene: AARS1 (alanyl-tRNA synthetase 1; minus strand). Cytogenetic location: 16q22.1.
Variant type: single nucleotide variant.
Coding change: c.144G>C on transcript NM_001605.3 (MANE Select); coding-DNA position 144, G replaced by C.
Protein change: p.Gln48His; replaces glutamine 48 with histidine.
Molecular consequence: missense variant.
Genome position (GRCh38, 1-based): chr16:70,282,620, C>G on the plus strand (G>C on the coding strand, the complement: AARS1 is on the minus strand). VCF-style: chr16-70282620-C-G. GRCh37 (hg19) VCF-style: chr16-70316523-C-G.
Other names: short protein forms Q48H.
Identifiers: ClinVar variation 3619013 (VCV003619013.2).
Genomic context (GRCh38, chr16:70,282,620, plus strand): 5'-ATCTGGGCTCTGCTGCCTCTTATGTGAACCAAAAGCCAAGAAAAAAGGAAAAACCCTTAC[C>G]TGGTTCATGCCTGCATTGGCAAAGAGCAAAGTGGGGTCATCCAATGGGATGGTGGCAGAC-3'
Protein context (NP_001596.2, residues 38-58): TLLFANAGMN[Gln48His]FKPIFLNTID